The following is an entry in ClinVar:

ClinVar aggregate classification (germline): Uncertain significance (1 of 4 stars; one submission).

gnomAD v4.1: 9 of 1,589,992 alleles (0.00057%); highest among the groups gnomAD compares: Admixed American, 0.016%; no homozygotes.

Submission:

GeneDx
Classification: Uncertain significance. Last evaluated: 2025-09-10. Review status: criteria provided, single submitter. Criteria: GeneDx Variant Classification Process June 2021. Collection method: clinical testing. Allele origin: germline. Affected: yes.
Comment: In silico analysis suggests that this missense variant does not alter protein structure/function; Has not been previously published as pathogenic or benign to our knowledge

NM_198173.3(GRHL3):c.286T>G (p.Tyr96Asp)

Gene: GRHL3 (grainyhead like transcription factor 3; plus strand). Cytogenetic location: 1p36.11.
Variant type: single nucleotide variant.
Coding change: c.286T>G on transcript NM_198173.3 (MANE Select); coding-DNA position 286, T replaced by G.
Protein change: p.Tyr96Asp; replaces tyrosine 96 with aspartic acid.
Molecular consequence: missense variant.
Genome position (GRCh38, 1-based): chr1:24,336,501, T>G. VCF-style: chr1-24336501-T-G. GRCh37 (hg19) VCF-style: chr1-24662991-T-G.
Other names: c.148T>G, p.Tyr50Asp (NM_001195010.2); c.301T>G, p.Tyr101Asp (NM_021180.4); c.286T>G, p.Tyr96Asp (NM_198174.3); short protein forms Y101D, Y50D, Y96D.
Identifiers: ClinVar variation 1706750 (VCV001706750.3), dbSNP rs750417670, ClinGen allele CA689874.
Genomic context (GRCh38, chr1:24,336,501, plus strand): 5'-CCCAGAGAGAAGTACACTCAGCCCCTTTTCTTTCTCCCCAGGTACTACCATGGCATGGAA[T>G]ATGAGACGGACCTCACTCCCCTTGAAAGCCCCACACACCTCATGAAATTCCTGACAGAGA-3'
Protein context (NP_937816.1, residues 86-106): QGKRYYHGME[Tyr96Asp]ETDLTPLESP